The following is an entry in ClinVar:

NM_019098.5(CNGB3):c.2179C>T (p.Gln727Ter)

Gene: CNGB3 (cyclic nucleotide gated channel subunit beta 3; minus strand). Cytogenetic location: 8q21.3.
Variant type: single nucleotide variant.
Coding change: c.2179C>T on transcript NM_019098.5 (MANE Select); coding-DNA position 2179, C replaced by T.
Protein change: p.Gln727Ter; replaces glutamine 727 with a stop codon.
Molecular consequence: nonsense.
Genome position (GRCh38, 1-based): chr8:86,576,055, G>A on the plus strand (C>T on the coding strand, the complement: CNGB3 is on the minus strand). VCF-style: chr8-86576055-G-A. GRCh37 (hg19) VCF-style: chr8-87588283-G-A.
Other names: short protein forms Q727*.
Identifiers: ClinVar variation 5003238 (VCV005003238.1).

ClinVar aggregate classification (germline): Uncertain significance (1 of 4 stars; one submission).

Conditions:
Achromatopsia 3 (ACHM3). Also called: PINGELAPESE BLINDNESS; TOTAL COLORBLINDNESS WITH MYOPIA; ROD MONOCHROMACY 1; ROD MONOCHROMATISM 1; ACHROMATOPSIA WITH MYOPIA. Identifiers: Orphanet 49382, MedGen C1849792, MONDO:0009875, OMIM 262300.

gnomAD v4.1: 1 of 1,596,186 alleles (0.000063%); highest among the groups gnomAD compares: Non-Finnish European, 0.000085%; no homozygotes.

Submission:

Myriad Genetics, Inc.
Classification: Uncertain significance for Achromatopsia 3. Last evaluated: 2026-02-06. Review status: criteria provided, single submitter. Criteria: Myriad Autosomal Dominant, Autosomal Recessive and X-Linked Classification Criteria (2023). Collection method: clinical testing. Allele origin: unknown.
Comment: NM_019098.4(CNGB3):c.2179C>T(Q727*) is a nonsense variant classified as a variant of uncertain significance in the context of achromatopsia, CNGB3-related. Q727* has not been observed in cases with relevant disease. Relevant functional assessments of this variant are not available in the literature. Q727* has not been observed in referenced population frequency databases. In summary, there is insufficient evidence to classify NM_019098.4(CNGB3):c.2179C>T(Q727*) as pathogenic or benign. Please note: this variant was assessed in the context of healthy population screening.